The following is an entry in ClinVar:

NM_001363711.2(DUOX2):c.100G>A (p.Glu34Lys)

Gene: DUOX2 (dual oxidase 2; minus strand). Cytogenetic location: 15q21.1.
Variant type: single nucleotide variant.
Coding change: c.100G>A on transcript NM_001363711.2 (MANE Select); coding-DNA position 100, G replaced by A.
Protein change: p.Glu34Lys; replaces glutamic acid 34 with lysine.
Molecular consequence: missense variant.
Genome position (GRCh38, 1-based): chr15:45,113,047, C>T on the plus strand (G>A on the coding strand, the complement: DUOX2 is on the minus strand). VCF-style: chr15-45113047-C-T. GRCh37 (hg19) VCF-style: chr15-45405245-C-T.
Other names: c.100G>A, p.Glu34Lys (NM_014080.5); c.100G>A (NM_014080.4); short protein forms E34K.
Identifiers: ClinVar variation 1390767 (VCV001390767.4), dbSNP rs892132222, ClinGen allele CA270135591.
Genomic context (GRCh38, chr15:45,113,047, plus strand): 5'-CAACAGCACCACGCTCGTGGTGCCTCAGGTTGTTAAACCAGCCGTCATAGCGCTGCACTT[C>T]CCAGGGCAGTGAGAGTGCGTCCTGACTGCCTGTGGGCACAGAGAAGGGCCTCCTCAGCAC-3'
Protein context (NP_001350640.1, residues 24-44): GSQDALSLPW[Glu34Lys]VQRYDGWFNN

ClinVar aggregate classification (germline): Uncertain significance. Review status: criteria provided, multiple submitters, no conflicts (2 of 4 stars). 2 submissions from 2 submitters: Uncertain significance (2). Last evaluated 2025-05-25.

Conditions:
Inborn genetic diseases. Identifiers: MedGen C0950123, MeSH D030342.

Allele frequency attached by ClinVar (database versions not stated): gnomAD 0.00001; gnomAD exomes 0.00001 and below 0.00001; TOPMed 0.00002.
gnomAD v4.1: 17 of 1,613,950 alleles (0.0011%); highest among the groups gnomAD compares: Non-Finnish European, 0.0013%; no homozygotes.

Submissions (2):

Ambry Genetics
Classification: Uncertain significance for Inborn genetic diseases. Last evaluated: 2025-05-25. Review status: criteria provided, single submitter. Criteria: Ambry Variant Classification Scheme 2023. Collection method: clinical testing. Allele origin: germline.

Labcorp Genetics (formerly Invitae), Labcorp
Classification: Uncertain significance. Last evaluated: 2022-01-16. Review status: criteria provided, single submitter. Criteria: Invitae Variant Classification Sherloc (09022015). Collection method: clinical testing. Allele origin: germline.
Comment: This sequence change replaces glutamic acid, which is acidic and polar, with lysine, which is basic and polar, at codon 34 of the DUOX2 protein (p.Glu34Lys). This variant is present in population databases (no rsID available, gnomAD 0.002%). This variant has not been reported in the literature in individuals affected with DUOX2-related conditions. Advanced modeling of protein sequence and biophysical properties (such as structural, functional, and spatial information, amino acid conservation, physicochemical variation, residue mobility, and thermodynamic stability) performed at Invitae indicates that this missense variant is not expected to disrupt DUOX2 protein function. In summary, the available evidence is currently insufficient to determine the role of this variant in disease. Therefore, it has been classified as a Variant of Uncertain Significance.